The following is an entry in ClinVar:

NM_001009944.3(PKD1):c.2959C>T (p.Gln987Ter)

Gene: PKD1 (polycystin 1, transient receptor potential channel interacting; minus strand). Cytogenetic location: 16p13.3.
Variant type: single nucleotide variant.
Coding change: c.2959C>T on transcript NM_001009944.3 (MANE Select); coding-DNA position 2959, C replaced by T.
Protein change: p.Gln987Ter; replaces glutamine 987 with a stop codon.
Molecular consequence: nonsense.
Genome position (GRCh38, 1-based): chr16:2,113,187, G>A on the plus strand (C>T on the coding strand, the complement: PKD1 is on the minus strand). VCF-style: chr16-2113187-G-A. GRCh37 (hg19) VCF-style: chr16-2163188-G-A.
Other names: c.2959C>T, p.Gln987Ter (NM_000296.4); short protein forms Q987*.
Identifiers: ClinVar variation 4927934 (VCV004927934.2).

ClinVar aggregate classification (germline): Pathogenic/Likely pathogenic. Review status: criteria provided, multiple submitters, no conflicts (2 of 4 stars). 2 submissions from 2 submitters: Pathogenic (1); Likely pathogenic (1). Last evaluated 2026-08-06.

Conditions:
Polycystic kidney disease, adult type (PKD1). Also called: Polycystic Kidney Disease 1, Autosomal Dominant; Polycystic kidney disease 1; Polycystic kidney disease 1, severe; Polycystic Kidney, Autosomal Dominant; POLYCYSTIC KIDNEY DISEASE 1 WITH OR WITHOUT POLYCYSTIC LIVER DISEASE; POLYCYSTIC KIDNEY DISEASE, ADULT, TYPE I. Identifiers: MedGen C3149841, MONDO:0008263, OMIM 173900.
PKD1-related disorder. Also called: PKD1-related condition.

gnomAD v4.1: 1 of 1,209,230 alleles (0.000083%); highest among the groups gnomAD compares: East Asian, 0.0023%; no homozygotes.

Submissions (2):

OLLIN Analises Genomicas, OLLIN
Classification: Likely pathogenic for Polycystic kidney disease, adult type. Last evaluated: 2026-08-06. Review status: criteria provided, single submitter. Criteria: ACMG Guidelines 2015 PMID 25741868. Collection method: clinical testing. Allele origin: germline. Inheritance: Autosomal dominant inheritance.
Comment: This nonsense variant, located in exon 12 (of 46), has been observed in gnomAD with an allele frequency of 0.000062%, but has not been reported in ClinVar or identified in the literature. This variant introduces a premature stop codon, which is predicted to result in either a truncated protein or degradation of the mRNA via nonsense-mediated decay (NMD). According to the currently available evidence, this variant has been classified as likely pathogenic (PVS1, PM2_P).

Blueprint Genetics
Classification: Pathogenic for PKD1-related disorders. Last evaluated: 2024-03-18. Review status: criteria provided, single submitter. Criteria: ACMG Guidelines, 2015. Collection method: clinical testing. Allele origin: germline. Affected: yes. Observed: 1 variant allele.